The following is an entry in ClinVar:

ClinVar aggregate classification (germline): Uncertain significance. Review status: criteria provided, multiple submitters, no conflicts (2 of 4 stars). 3 submissions from 3 submitters: Uncertain significance (3). Last evaluated 2023-12-01.

Conditions:
Alzheimer disease 3 (AD3). Also called: ALZHEIMER DISEASE, FAMILIAL, 3. Identifiers: Orphanet 1020, MedGen C1843013, MONDO:0011913, OMIM 607822.
Acne inversa, familial, 3 (ACNINV3). Identifiers: MedGen C3151038, MONDO:0013398, OMIM 613737.
Frontotemporal dementia (FTD1). Also called: Dementia, frontotemporal, with or without parkinsonism; MULTIPLE SYSTEM TAUOPATHY WITH PRESENILE DEMENTIA; FRONTOTEMPORAL DEMENTIA WITH PARKINSONISM; FRONTOTEMPORAL LOBE DEMENTIA; FRONTOTEMPORAL LOBAR DEGENERATION WITH TAU INCLUSIONS; FTLD WITH TAU INCLUSIONS. Identifiers: Orphanet 282, MedGen C0338451, MONDO:0017276, OMIM 600274, HP:0002145.
Pick disease. Also called: LOBAR ATROPHY OF BRAIN; Pick's disease; PICK DISEASE OF BRAIN; Pick Disease of the Brain; DEMENTIA WITH LOBAR ATROPHY AND NEURONAL CYTOPLASMIC INCLUSIONS. Identifiers: Orphanet 282, MedGen C0236642, MONDO:0008243, OMIM 172700.

Allele frequency attached by ClinVar (database versions not stated): TOPMed 0.00001.
gnomAD v4.1: 15 of 1,613,828 alleles (0.00093%); highest among the groups gnomAD compares: Admixed American, 0.0017%; no homozygotes.

Submissions (3):

CeGaT Center for Human Genetics Tuebingen
Classification: Uncertain significance. Last evaluated: 2023-12-01. Review status: criteria provided, single submitter. Criteria: CeGaT Center For Human Genetics Tuebingen Variant Classification Criteria Version 2. Collection method: clinical testing. Allele origin: germline. Affected: yes. Observed: 1 variant allele.
Comment: PSEN1: PM5

Labcorp Genetics (formerly Invitae), Labcorp
Classification: Uncertain significance for Alzheimer disease 3; Pick disease; Acne inversa, familial, 3; Frontotemporal dementia. Last evaluated: 2020-01-18. Review status: criteria provided, single submitter. Criteria: Invitae Variant Classification Sherloc (09022015). Collection method: clinical testing. Allele origin: germline.
Comment: In summary, the available evidence is currently insufficient to determine the role of this variant in disease. Therefore, it has been classified as a Variant of Uncertain Significance. Algorithms developed to predict the effect of missense changes on protein structure and function are either unavailable or do not agree on the potential impact of this missense change (SIFT: "Tolerated"; PolyPhen-2: "Probably Damaging"; Align-GVGD: "Class C0"). This variant has not been reported in the literature in individuals with PSEN1-related conditions. ClinVar contains an entry for this variant (Variation ID: 448142). This variant is not present in population databases (ExAC no frequency). This sequence change replaces arginine with proline at codon 358 of the PSEN1 protein (p.Arg358Pro). The arginine residue is highly conserved and there is a moderate physicochemical difference between arginine and proline.

Athena Diagnostics
Classification: Uncertain significance. Last evaluated: 2016-08-18. Review status: criteria provided, single submitter. Criteria: Athena Diagnostics Criteria. Collection method: clinical testing. Allele origin: germline.

NM_000021.4(PSEN1):c.1073G>C (p.Arg358Pro)

Gene: PSEN1 (presenilin 1; plus strand). Cytogenetic location: 14q24.2.
Variant type: single nucleotide variant.
Coding change: c.1073G>C on transcript NM_000021.4 (MANE Select); coding-DNA position 1073, G replaced by C.
Protein change: p.Arg358Pro; replaces arginine 358 with proline.
Molecular consequence: missense variant.
Genome position (GRCh38, 1-based): chr14:73,211,886, G>C. VCF-style: chr14-73211886-G-C. GRCh37 (hg19) VCF-style: chr14-73678594-G-C.
Other names: c.1061G>C, p.Arg354Pro (NM_007318.3); short protein forms R358P, R354P.
Identifiers: ClinVar variation 448142 (VCV000448142.32), dbSNP rs63751174, ClinGen allele CA262618753.